The following is an entry in ClinVar:

ClinVar aggregate classification (germline): Uncertain significance. Review status: criteria provided, multiple submitters, no conflicts (2 of 4 stars). 2 submissions from 2 submitters: Uncertain significance (2). Last evaluated 2025-10-21.

Conditions:
Genitopatellar syndrome (GTPTS). Also called: Genitopatellar syndrome (GPS); ABSENT PATELLAE, SCROTAL HYPOPLASIA, RENAL ANOMALIES, FACIAL DYSMORPHISM, AND MENTAL RETARDATION. Identifiers: Orphanet 85201, MedGen C1853566, MONDO:0011640, OMIM 606170.
Blepharophimosis - intellectual disability syndrome, SBBYS type (SBBYSS). Also called: Say-Barber-Biesecker-Young-Simpson variant of Ohdo Syndrome; Say-Barber-Biesecker Variant of Ohdo Syndrome; Young Simpson syndrome; Mental retardation unusual facies hypothyroidism; Say-Barber-Biesecker variant of Ohdo syndrome (SBBYSS); Ohdo syndrome, SBBYS variant. Identifiers: Orphanet 3047, MedGen C1863557, MONDO:0011365, OMIM 603736.

Allele frequency attached by ClinVar (database versions not stated): gnomAD exomes below 0.00001; gnomAD 0.00001; TOPMed 0.00001.
gnomAD v4.1: 3 of 1,613,976 alleles (0.00019%); highest among the groups gnomAD compares: African/African-American, 0.0013%; no homozygotes.

Submissions (2):

Labcorp Genetics (formerly Invitae), Labcorp
Classification: Uncertain significance for Genitopatellar syndrome. Last evaluated: 2025-10-21. Review status: criteria provided, single submitter. Criteria: Invitae Variant Classification Sherloc (09022015). Collection method: clinical testing. Allele origin: germline.
Comment: This sequence change replaces serine, which is neutral and polar, with glycine, which is neutral and non-polar, at codon 54 of the KAT6B protein (p.Ser54Gly). This variant is present in population databases (no rsID available, gnomAD 0.0009%). This variant has not been reported in the literature in individuals affected with KAT6B-related conditions. ClinVar contains an entry for this variant (Variation ID: 2888581). Invitae Evidence Modeling of protein sequence and biophysical properties (such as structural, functional, and spatial information, amino acid conservation, physicochemical variation, residue mobility, and thermodynamic stability) indicates that this missense variant is not expected to disrupt KAT6B protein function with a negative predictive value of 80%. In summary, the available evidence is currently insufficient to determine the role of this variant in disease. Therefore, it has been classified as a Variant of Uncertain Significance.

Fulgent Genetics
Classification: Uncertain significance for Blepharophimosis - intellectual disability syndrome, SBBYS type; Genitopatellar syndrome. Last evaluated: 2024-03-28. Review status: criteria provided, single submitter. Criteria: ACMG Guidelines, 2015. Collection method: clinical testing. Allele origin: germline.

NM_012330.4(KAT6B):c.160A>G (p.Ser54Gly)

Gene: KAT6B (lysine acetyltransferase 6B; plus strand). Cytogenetic location: 10q22.2.
Variant type: single nucleotide variant.
Coding change: c.160A>G on transcript NM_012330.4 (MANE Select); coding-DNA position 160, A replaced by G.
Protein change: p.Ser54Gly; replaces serine 54 with glycine.
Molecular consequence: missense variant. On other transcripts: 5 prime UTR variant (2).
Genome position (GRCh38, 1-based): chr10:74,843,017, A>G. VCF-style: chr10-74843017-A-G. GRCh37 (hg19) VCF-style: chr10-76602775-A-G.
Other names: c.160A>G, p.Ser54Gly (NM_001256468.2, NM_001256469.2, NM_001370132.1 and 10 more transcripts); c.-379A>G (NM_001370134.1, NM_001370135.1); short protein forms S54G.
Identifiers: ClinVar variation 2888581 (VCV002888581.4), dbSNP rs1248551392, ClinGen allele CA377399424.